The following is an entry in ClinVar:

ClinVar aggregate classification (germline): Benign/Likely benign. Review status: criteria provided, multiple submitters, no conflicts (2 of 4 stars). 3 submissions from 3 submitters: Benign (1); Likely benign (2). Last evaluated 2024-02-27.

Conditions:
Hereditary cancer-predisposing syndrome. Also called: Tumor predisposition; Hereditary neoplastic syndrome; Hereditary Cancer Syndrome; Neoplastic Syndromes, Hereditary. Identifiers: Orphanet 140162, MedGen C0027672, MeSH D009386, MONDO:0015356.
Familial adenomatous polyposis 1 (FAP1). Also called: FAMILIAL ADENOMATOUS POLYPOSIS 1, ATTENUATED; POLYPOSIS, ADENOMATOUS INTESTINAL. Identifiers: MedGen C2713442, MONDO:0021056, OMIM 175100. Disease mechanism: loss of function.

Submissions (3):

Myriad Genetics, Inc.
Classification: Benign for Familial adenomatous polyposis 1. Last evaluated: 2024-02-27. Review status: criteria provided, single submitter. Criteria: Myriad Autosomal Dominant, Autosomal Recessive and X-Linked Classification Criteria (2023). Collection method: clinical testing. Allele origin: unknown.
Comment: This variant is considered benign. This variant is a silent/synonymous amino acid change and it is not expected to impact splicing.

Labcorp Genetics (formerly Invitae), Labcorp
Classification: Likely benign for Familial adenomatous polyposis 1. Last evaluated: 2021-01-15. Review status: criteria provided, single submitter. Criteria: Invitae Variant Classification Sherloc (09022015). Collection method: clinical testing. Allele origin: germline.

Ambry Genetics
Classification: Likely benign for Hereditary cancer-predisposing syndrome. Last evaluated: 2018-09-11. Review status: criteria provided, single submitter. Criteria: Ambry Variant Classification Scheme 2023. Collection method: clinical testing. Allele origin: germline.

NM_000038.6(APC):c.780G>A (p.Gln260=)

Gene: APC (APC regulator of Wnt signaling pathway; plus strand). Cytogenetic location: 5q22.2.
Variant type: single nucleotide variant.
Coding change: c.780G>A on transcript NM_000038.6 (MANE Select); coding-DNA position 780, G replaced by A.
Protein change: p.Gln260=; no amino-acid change (glutamine 260 retained).
Molecular consequence: synonymous variant. On other transcripts: 5 prime UTR variant (1).
Genome position (GRCh38, 1-based): chr5:112,801,329, G>A. VCF-style: chr5-112801329-G-A. GRCh37 (hg19) VCF-style: chr5-112137026-G-A.
Other names: c.780G>A, p.Gln260= (NM_001127510.3, NM_001354895.2, NM_001354896.2 and 1 more transcripts); c.726G>A, p.Gln242= (NM_001127511.3); c.810G>A, p.Gln270= (NM_001354897.2, NM_001354902.2); c.705G>A, p.Gln235= (NM_001354898.2, NM_001354904.2); c.696G>A, p.Gln232= (NM_001354899.2); c.603G>A, p.Gln201= (NM_001354900.2, NM_001354901.2, NM_001354905.2); c.-256G>A (NM_001354906.2).
Identifiers: ClinVar variation 1671761 (VCV001671761.10), dbSNP rs2149711950, ClinGen allele CA445755630.